The following is an entry in ClinVar:

NM_005257.6(GATA6):c.925del (p.Gln309fs)

Gene: GATA6 (GATA binding protein 6; plus strand). Cytogenetic location: 18q11.2.
Variant type: Deletion.
Coding change: c.925del on transcript NM_005257.6 (MANE Select); coding-DNA position 925, one base deleted (C; older notation c.925delC).
Protein change: p.Gln309fs; shifts the reading frame from glutamine 309.
Molecular consequence: frameshift variant.
Genome position (GRCh38, 1-based): chr18:22,172,069, C deleted; the last of 4 consecutive C bases (chr18:22,172,066-22,172,069); deleting any one gives the same sequence. VCF-style (leftmost placement, unchanged base first): chr18-22172065-GC-G. GRCh37 (hg19) VCF-style: chr18-19752026-GC-G.
Other names: short protein forms Q309fs.
Identifiers: ClinVar variation 524082 (VCV000524082.2), dbSNP rs1555628831, ClinGen allele CA658799009.

ClinVar aggregate classification (germline): Pathogenic (1 of 4 stars; one submission).

Submission:

GeneDx
Classification: Pathogenic. Last evaluated: 2018-04-13. Review status: criteria provided, single submitter. Criteria: GeneDx Variant Classification (06012015). Collection method: clinical testing. Allele origin: germline. Affected: yes.
Comment: The c.925delC variant in the GATA6 gene has not been reported previously as a pathogenic variant nor as a benign variant, to our knowledge. The c.925delC variant causes a frameshift starting with codon Glutamine 309, changes this amino acid to a Serine residue, and creates a premature Stop codon at position 11 of the new reading frame, denoted p.Gln309SerfsX11. This variant is predicted to cause loss of normal protein function either through protein truncation or nonsense-mediated mRNA decay. The c.925delC variant is not observed in large population cohorts (Lek et al., 2016). We interpret c.925delC as a pathogenic variant.